The following is an entry in ClinVar:

NM_016038.4(SBDS):c.53T>C (p.Val18Ala)

Gene: SBDS (SBDS ribosome maturation factor; minus strand). Cytogenetic location: 7q11.21.
Variant type: single nucleotide variant.
Coding change: c.53T>C on transcript NM_016038.4 (MANE Select); coding-DNA position 53, T replaced by C.
Protein change: p.Val18Ala; replaces valine 18 with alanine.
Molecular consequence: missense variant.
Genome position (GRCh38, 1-based): chr7:66,995,365, A>G on the plus strand (T>C on the coding strand, the complement: SBDS is on the minus strand). VCF-style: chr7-66995365-A-G. GRCh37 (hg19) VCF-style: chr7-66460352-A-G.
Other names: short protein forms V18A.
Identifiers: ClinVar variation 4864071 (VCV004864071.1).

ClinVar aggregate classification (germline): Uncertain significance (1 of 4 stars; one submission).

Conditions:
Inborn genetic diseases. Identifiers: MedGen C0950123, MeSH D030342.

Submission:

Ambry Genetics
Classification: Uncertain significance for Inborn genetic diseases. Last evaluated: 2026-05-30. Review status: criteria provided, single submitter. Criteria: Ambry Variant Classification Scheme 2023. Collection method: clinical testing. Allele origin: germline.
Comment: The p.V18A variant (also known as c.53T>C), located in coding exon 1 of the SBDS gene, results from a T to C substitution at nucleotide position 53. The valine at codon 18 is replaced by alanine, an amino acid with similar properties. This amino acid position is conserved. In addition, this alteration is predicted to be deleterious by in silico analysis. Based on the available evidence, the clinical significance of this variant remains unclear.